The following is an entry in ClinVar:

ClinVar aggregate classification (germline): Uncertain significance. Review status: criteria provided, single submitter (1 of 4 stars). 2 submissions from 2 submitters: Uncertain significance (1). 1 of the submissions does not count toward it. Last evaluated 2022-06-27.

Conditions:
Retinal dystrophy. Also called: Inherited retinal dystrophy. Identifiers: Orphanet 71862, MedGen C0854723, MeSH D058499, MONDO:0019118, HP:0000556.

Allele frequency attached by ClinVar (database versions not stated): gnomAD exomes below 0.00001.
gnomAD v4.1: 2 of 1,614,098 alleles (0.00012%); highest among the groups gnomAD compares: Non-Finnish European, 0.00017%; no homozygotes.

Submissions (2):

Labcorp Genetics (formerly Invitae), Labcorp
Classification: Uncertain significance. Last evaluated: 2022-06-27. Review status: criteria provided, single submitter. Criteria: Invitae Variant Classification Sherloc (09022015). Collection method: clinical testing. Allele origin: germline.
Comment: This variant is not present in population databases (gnomAD no frequency). In summary, the available evidence is currently insufficient to determine the role of this variant in disease. Therefore, it has been classified as a Variant of Uncertain Significance. Algorithms developed to predict the effect of sequence changes on RNA splicing suggest that this variant may create or strengthen a splice site. Algorithms developed to predict the effect of missense changes on protein structure and function (SIFT, PolyPhen-2, Align-GVGD) all suggest that this variant is likely to be tolerated. ClinVar contains an entry for this variant (Variation ID: 236422). This missense change has been observed in individuals with PRPF31-related conditions (PMID: 27208204; Invitae). This sequence change replaces leucine, which is neutral and non-polar, with valine, which is neutral and non-polar, at codon 41 of the PRPF31 protein (p.Leu41Val).

Centre for Genomic Medicine, Manchester, Central Manchester University Hospitals
Classification: Uncertain significance for Retinal dystrophy. Review status: no assertion criteria provided. Collection method: clinical testing. Allele origin: germline. Affected: yes. Not counted in ClinVar's aggregate classification.

Literature cited by the submitters: PubMed 27208204 (cited by Labcorp Genetics (formerly Invitae), Labcorp).

NM_015629.4(PRPF31):c.121C>G (p.Leu41Val)

Gene: PRPF31 (pre-mRNA processing factor 31; plus strand). Cytogenetic location: 19q13.42.
Variant type: single nucleotide variant.
Coding change: c.121C>G on transcript NM_015629.4 (MANE Select); coding-DNA position 121, C replaced by G.
Protein change: p.Leu41Val; replaces leucine 41 with valine.
Molecular consequence: missense variant.
Genome position (GRCh38, 1-based): chr19:54,118,399, C>G. VCF-style: chr19-54118399-C-G. GRCh37 (hg19) VCF-style: chr19-54621779-C-G.
Other names: short protein forms L41V.
Identifiers: ClinVar variation 236422 (VCV000236422.7), dbSNP rs878853332, ClinGen allele CA309320833.